The following is an entry in ClinVar:

NM_000136.3(FANCC):c.141G>T (p.Lys47Asn)

Gene: FANCC (FA complementation group C; minus strand). Cytogenetic location: 9q22.32.
Variant type: single nucleotide variant.
Coding change: c.141G>T on transcript NM_000136.3 (MANE Select); coding-DNA position 141, G replaced by T.
Protein change: p.Lys47Asn; replaces lysine 47 with asparagine.
Molecular consequence: missense variant.
Genome position (GRCh38, 1-based): chr9:95,249,151, C>A on the plus strand (G>T on the coding strand, the complement: FANCC is on the minus strand). VCF-style: chr9-95249151-C-A. GRCh37 (hg19) VCF-style: chr9-98011433-C-A.
Other names: c.141G>T, p.Lys47Asn (NM_001243743.2, NM_001243744.2); short protein forms K47N.
Identifiers: ClinVar variation 2040713 (VCV002040713.4), dbSNP rs2136100485, ClinGen allele CA374340242.

ClinVar aggregate classification (germline): Uncertain significance (1 of 4 stars; one submission).

Conditions:
Fanconi anemia (FA). Also called: Fanconi's anemia. Identifiers: Orphanet 84, MedGen C0015625, MeSH D005199, MONDO:0019391.

Allele frequency attached by ClinVar (database versions not stated): gnomAD exomes below 0.00001.
gnomAD v4.1: 1 of 1,614,026 alleles (0.000062%); highest among the groups gnomAD compares: South Asian, 0.0011%; no homozygotes.

Submission:

Labcorp Genetics (formerly Invitae), Labcorp
Classification: Uncertain significance for Fanconi anemia. Last evaluated: 2023-07-17. Review status: criteria provided, single submitter. Criteria: Invitae Variant Classification Sherloc (09022015). Collection method: clinical testing. Allele origin: germline.
Comment: This variant has not been reported in the literature in individuals affected with FANCC-related conditions. In summary, the available evidence is currently insufficient to determine the role of this variant in disease. Therefore, it has been classified as a Variant of Uncertain Significance. Advanced modeling of protein sequence and biophysical properties (such as structural, functional, and spatial information, amino acid conservation, physicochemical variation, residue mobility, and thermodynamic stability) performed at Invitae indicates that this missense variant is not expected to disrupt FANCC protein function. ClinVar contains an entry for this variant (Variation ID: 2040713). This variant is not present in population databases (gnomAD no frequency). This sequence change replaces lysine, which is basic and polar, with asparagine, which is neutral and polar, at codon 47 of the FANCC protein (p.Lys47Asn).